The following is an entry in ClinVar:

ClinVar aggregate classification (germline): Uncertain significance (1 of 4 stars; one submission).

Conditions:
Candidiasis, familial, 9 (CANDF9). Identifiers: Orphanet 1334, MedGen C4225324, MONDO:0014642, OMIM 616445.

Submission:

Labcorp Genetics (formerly Invitae), Labcorp
Classification: Uncertain significance for Candidiasis, familial, 9. Last evaluated: 2021-01-19. Review status: criteria provided, single submitter. Criteria: Invitae Variant Classification Sherloc (09022015). Collection method: clinical testing. Allele origin: germline.
Comment: This variant has not been reported in the literature in individuals with IL17RC-related conditions. This variant is not present in population databases (ExAC no frequency). This sequence change replaces serine with cysteine at codon 72 of the IL17RC protein (p.Ser72Cys). The serine residue is weakly conserved and there is a moderate physicochemical difference between serine and cysteine. In summary, the available evidence is currently insufficient to determine the role of this variant in disease. Therefore, it has been classified as a Variant of Uncertain Significance. Algorithms developed to predict the effect of missense changes on protein structure and function are either unavailable or do not agree on the potential impact of this missense change (SIFT: "Deleterious"; PolyPhen-2: "Benign"; Align-GVGD: "Class C0").

NM_153460.4(IL17RC):c.105+110C>G

Gene: IL17RC (interleukin 17 receptor C; plus strand). Cytogenetic location: 3p25.3.
Variant type: single nucleotide variant.
Coding change: c.105+110C>G on transcript NM_153460.4 (MANE Select); 110 bases into the intron after coding-DNA position 105, C replaced by G.
Molecular consequence: intron variant. On other transcripts: missense variant (1).
Genome position (GRCh38, 1-based): chr3:9,917,530, C>G. VCF-style: chr3-9917530-C-G. GRCh37 (hg19) VCF-style: chr3-9959214-C-G.
Other names: c.215C>G, p.Ser72Cys (NM_153461.4); c.105+110C>G (NM_001203263.2, NM_001203264.2, NM_001367278.1 and 4 more transcripts); short protein forms S72C.
Identifiers: ClinVar variation 1404318 (VCV001404318.8), dbSNP rs754915462, ClinGen allele CA351753810.